The following is an entry in ClinVar:

NM_000807.4(GABRA2):c.724G>T (p.Ala242Ser)

Gene: GABRA2 (gamma-aminobutyric acid type A receptor subunit alpha2; minus strand). Cytogenetic location: 4p12.
Variant type: single nucleotide variant.
Coding change: c.724G>T on transcript NM_000807.4 (MANE Select); coding-DNA position 724, G replaced by T.
Protein change: p.Ala242Ser; replaces alanine 242 with serine.
Molecular consequence: missense variant.
Genome position (GRCh38, 1-based): chr4:46,303,592, C>A on the plus strand (G>T on the coding strand, the complement: GABRA2 is on the minus strand). VCF-style: chr4-46303592-C-A. GRCh37 (hg19) VCF-style: chr4-46305609-C-A.
Other names: c.724G>T, p.Ala242Ser (NM_001114175.3, NM_001330690.2, NM_001377144.1 and 8 more transcripts); c.559G>T, p.Ala187Ser (NM_001286827.3, NM_001377152.1, NM_001377153.1 and 1 more transcripts); short protein forms A187S, A242S.
Identifiers: ClinVar variation 3906403 (VCV003906403.1).

ClinVar aggregate classification (germline): Uncertain significance (1 of 4 stars; one submission).

Submission:

GeneDx
Classification: Uncertain significance. Last evaluated: 2024-12-21. Review status: criteria provided, single submitter. Criteria: GeneDx Variant Classification Process June 2021. Collection method: clinical testing. Allele origin: germline. Affected: yes.
Comment: Not observed at significant frequency in large population cohorts (gnomAD); In silico analysis indicates that this missense variant does not alter protein structure/function; Has not been previously published as pathogenic or benign to our knowledge